The following is an entry in ClinVar:

NM_020708.5(SLC12A5):c.143T>C (p.Phe48Ser)

Gene: SLC12A5 (solute carrier family 12 member 5; plus strand). Cytogenetic location: 20q13.12.
Variant type: single nucleotide variant.
Coding change: c.143T>C on transcript NM_020708.5 (MANE Select); coding-DNA position 143, T replaced by C.
Protein change: p.Phe48Ser; replaces phenylalanine 48 with serine.
Molecular consequence: missense variant.
Genome position (GRCh38, 1-based): chr20:46,035,038, T>C. VCF-style: chr20-46035038-T-C. GRCh37 (hg19) VCF-style: chr20-44663677-T-C.
Other names: c.212T>C, p.Phe71Ser (NM_001134771.2); short protein forms F48S, F71S.
Identifiers: ClinVar variation 1705614 (VCV001705614.1), dbSNP rs2515631646, ClinGen allele CA409187052.

ClinVar aggregate classification (germline): Uncertain significance (1 of 4 stars; one submission).

Conditions:
Developmental and epileptic encephalopathy, 34 (DEE34). Also called: Early infantile epileptic encephalopathy 34; SLC12A5-Related Epilepsy of Infancy with Migrating Focal Seizures. Identifiers: Orphanet 293181, MedGen C4225257, MONDO:0014718, OMIM 616645.

Submission:

3billion
Classification: Uncertain significance for Developmental and epileptic encephalopathy, 34. Last evaluated: 2022-09-01. Review status: criteria provided, single submitter. Criteria: ACMG Guidelines, 2015. Collection method: clinical testing. Allele origin: germline. Affected: yes. Observed: 1 homozygote.
Comment: The variant is not observed in the gnomAD v2.1.1 dataset. Missense changes are a common disease-causing mechanism. In silico tool predictions suggest damaging effect of the variant on gene or gene product (REVEL: 0.90; 3Cnet: 0.63). Therefore, this variant is classified as uncertain significance according to the recommendation of ACMG/AMP guideline.